The following is an entry in ClinVar:

NM_001868.4(CPA1):c.312G>A (p.Met104Ile)

Gene: CPA1 (carboxypeptidase A1; plus strand). Cytogenetic location: 7q32.2.
Variant type: single nucleotide variant.
Coding change: c.312G>A on transcript NM_001868.4 (MANE Select); coding-DNA position 312, G replaced by A.
Protein change: p.Met104Ile; replaces methionine 104 with isoleucine.
Molecular consequence: missense variant.
Genome position (GRCh38, 1-based): chr7:130,381,794, G>A. VCF-style: chr7-130381794-G-A. GRCh37 (hg19) VCF-style: chr7-130021635-G-A.
Other names: short protein forms M104I.
Identifiers: ClinVar variation 3221819 (VCV003221819.1), dbSNP rs2536005406, ClinGen allele CA369280301.

ClinVar aggregate classification (germline): Uncertain significance (1 of 4 stars; one submission).

Conditions:
Hereditary pancreatitis (PCTT). Also called: Hereditary chronic pancreatitis; PRSS1-Related Hereditary Pancreatitis. Identifiers: Orphanet 676, MedGen C0238339, MONDO:0008185, OMIM 167800.

Submission:

Ambry Genetics
Classification: Uncertain significance for Hereditary pancreatitis. Last evaluated: 2024-01-19. Review status: criteria provided, single submitter. Criteria: Ambry Variant Classification Scheme 2023. Collection method: clinical testing. Allele origin: germline.
Comment: The p.M104I variant (also known as c.312G>A), located in coding exon 3 of the CPA1 gene, results from a G to A substitution at nucleotide position 312. The methionine at codon 104 is replaced by isoleucine, an amino acid with highly similar properties. This amino acid position is conserved. In addition, this alteration is predicted to be tolerated by in silico analysis. Based on the available evidence, the clinical significance of this alteration remains unclear.